The following is an entry in ClinVar:

NM_016327.3(UPB1):c.731T>A (p.Met244Lys)

Gene: UPB1 (beta-ureidopropionase 1; plus strand). Cytogenetic location: 22q11.23.
Variant type: single nucleotide variant.
Coding change: c.731T>A on transcript NM_016327.3 (MANE Select); coding-DNA position 731, T replaced by A.
Protein change: p.Met244Lys; replaces methionine 244 with lysine.
Molecular consequence: missense variant.
Genome position (GRCh38, 1-based): chr22:24,515,310, T>A. VCF-style: chr22-24515310-T-A. GRCh37 (hg19) VCF-style: chr22-24911278-T-A.
Other names: short protein forms M244K.
Identifiers: ClinVar variation 1430084 (VCV001430084.8), dbSNP rs1601505242, ClinGen allele CA410966706.

ClinVar aggregate classification (germline): Uncertain significance (1 of 4 stars; one submission).

Submission:

Labcorp Genetics (formerly Invitae), Labcorp
Classification: Uncertain significance. Last evaluated: 2021-07-12. Review status: criteria provided, single submitter. Criteria: Invitae Variant Classification Sherloc (09022015). Collection method: clinical testing. Allele origin: germline.
Comment: This sequence change replaces methionine with lysine at codon 244 of the UPB1 protein (p.Met244Lys). The methionine residue is highly conserved and there is a moderate physicochemical difference between methionine and lysine. This variant is not present in population databases (ExAC no frequency). This variant has not been reported in the literature in individuals affected with UPB1-related conditions. Algorithms developed to predict the effect of missense changes on protein structure and function are either unavailable or do not agree on the potential impact of this missense change (SIFT: "Deleterious"; PolyPhen-2: "Benign"; Align-GVGD: "Class C55"). In summary, the available evidence is currently insufficient to determine the role of this variant in disease. Therefore, it has been classified as a Variant of Uncertain Significance.